The following is an entry in ClinVar:

ClinVar aggregate classification (germline): Benign/Likely benign. Review status: criteria provided, multiple submitters, no conflicts (2 of 4 stars). 6 submissions from 6 submitters: Benign (2); Likely benign (3). 1 of the submissions does not count toward it. Last evaluated 2025-12-19.

Conditions:
CLIC5-related disorder. Also called: CLIC5-related condition.

Allele frequency attached by ClinVar (database versions not stated): 1000 Genomes Project 30x 0.00031; 1000 Genomes Project 0.00040; TOPMed 0.00084; ESP Exome Variant Server 0.00138; gnomAD 0.00143 and 0.00150; ExAC 0.00168.
gnomAD v4.1: 2,638 of 1,610,116 alleles (0.16%); highest among the groups gnomAD compares: Non-Finnish European, 0.13%; 8 homozygotes.

Submissions (6):

Labcorp Genetics (formerly Invitae), Labcorp
Classification: Benign. Last evaluated: 2025-12-19. Review status: criteria provided, single submitter. Criteria: Invitae Variant Classification Sherloc (09022015). Collection method: clinical testing. Allele origin: germline.

Blueprint Genetics
Classification: Likely benign. Last evaluated: 2024-11-21. Review status: criteria provided, single submitter. Criteria: ACMG Guidelines, 2015. Collection method: clinical testing. Allele origin: germline.

CeGaT Center for Human Genetics Tuebingen
Classification: Likely benign. Last evaluated: 2024-02-01. Review status: criteria provided, single submitter. Criteria: CeGaT Center For Human Genetics Tuebingen Variant Classification Criteria Version 2. Collection method: clinical testing. Allele origin: germline. Affected: yes. Observed: 1 variant allele.
Comment: CLIC5: BS2

Athena Diagnostics
Classification: Likely benign. Last evaluated: 2018-12-10. Review status: criteria provided, single submitter. Criteria: Athena Diagnostics Criteria. Collection method: clinical testing. Allele origin: germline.

GeneDx
Classification: Benign. Last evaluated: 2018-10-26. Review status: criteria provided, single submitter. Criteria: GeneDx Variant Classification Process June 2021. Collection method: clinical testing. Allele origin: germline. Affected: yes.

PreventionGenetics, part of Exact Sciences
Classification: Benign for CLIC5-related condition. Last evaluated: 2019-08-01. Review status: no assertion criteria provided. Collection method: clinical testing. Allele origin: germline. Not counted in ClinVar's aggregate classification.
Comment: This variant is classified as benign based on ACMG/AMP sequence variant interpretation guidelines (Richards et al. 2015 PMID: 25741868, with internal and published modifications).

NM_016929.5(CLIC5):c.477G>T (p.Glu159Asp)

Gene: CLIC5 (CLIC family member 5; minus strand). Cytogenetic location: 6p21.1.
Variant type: single nucleotide variant.
Coding change: c.477G>T on transcript NM_016929.5 (MANE Select); coding-DNA position 477, G replaced by T.
Protein change: p.Glu159Asp; replaces glutamic acid 159 with aspartic acid.
Molecular consequence: missense variant. On other transcripts: non-coding transcript variant (3).
Genome position (GRCh38, 1-based): chr6:45,914,339, C>A on the plus strand (G>T on the coding strand, the complement: CLIC5 is on the minus strand). VCF-style: chr6-45914339-C-A. GRCh37 (hg19) VCF-style: chr6-45882076-C-A.
Other names: c.954G>T, p.Glu318Asp (NM_001114086.2, NM_001370650.1); c.477G>T, p.Glu159Asp (NM_001256023.2); c.360G>T, p.Glu120Asp (NM_001370649.1); short protein forms E159D, E318D, E120D.
Identifiers: ClinVar variation 804712 (VCV000804712.36), dbSNP rs148377014, ClinGen allele CA3836762.